The following is an entry in ClinVar:

ClinVar aggregate classification (germline): Uncertain significance (1 of 4 stars; one submission).

Submission:

Women's Health and Genetics/Laboratory Corporation of America, LabCorp
Classification: Uncertain significance. Last evaluated: 2025-03-25. Review status: criteria provided, single submitter. Criteria: LabCorp Variant Classification Summary - May 2015. Collection method: clinical testing. Allele origin: germline.
Comment: Variant summary: SLC19A3 c.958G>A (p.Glu320Lys) results in a conservative amino acid change in the encoded protein sequence. Four of five in-silico tools predict a damaging effect of the variant on protein function. The variant was absent in 251148 control chromosomes. The available data on variant occurrences in the general population are insufficient to allow any conclusion about variant significance. c.958G>A has been reported in the literature in individuals affected with Basal ganglia disease, biotin-thiamine-responsive (example: Wes-Kucharska_2021). These data do not allow any conclusion about variant significance. To our knowledge, no experimental evidence demonstrating an impact on protein function has been reported. The following publication has been ascertained in the context of this evaluation (PMID: 34631424). No submitters have cited clinical-significance assessments for this variant to ClinVar. Based on the evidence outlined above, the variant was classified as uncertain significance.

Literature cited by the submitters: PubMed 34631424.

NM_025243.4(SLC19A3):c.958G>A (p.Glu320Lys)

Gene: SLC19A3 (solute carrier family 19 member 3; minus strand). Cytogenetic location: 2q36.3.
Variant type: single nucleotide variant.
Coding change: c.958G>A on transcript NM_025243.4 (MANE Select); coding-DNA position 958, G replaced by A.
Protein change: p.Glu320Lys; replaces glutamic acid 320 with lysine.
Molecular consequence: missense variant.
Genome position (GRCh38, 1-based): chr2:227,698,757, C>T on the plus strand (G>A on the coding strand, the complement: SLC19A3 is on the minus strand). VCF-style: chr2-227698757-C-T. GRCh37 (hg19) VCF-style: chr2-228563473-C-T.
Other names: c.958G>A, p.Glu320Lys (NM_001371411.1, NM_001371412.1); c.946G>A, p.Glu316Lys (NM_001371413.1, NM_001371414.1); short protein forms E316K, E320K.
Identifiers: ClinVar variation 3895959 (VCV003895959.1).